The following is an entry in ClinVar:

NM_001199107.2(TBC1D24):c.752del (p.Phe251fs)

Gene: TBC1D24 (TBC1 domain family member 24; plus strand). Cytogenetic location: 16p13.3.
Variant type: Deletion.
Coding change: c.752del on transcript NM_001199107.2 (MANE Select); coding-DNA position 752, one base deleted (T; older notation c.752delT).
Protein change: p.Phe251fs; shifts the reading frame from phenylalanine 251.
Molecular consequence: frameshift variant.
Genome position (GRCh38, 1-based): chr16:2,496,900, T deleted; the last of 2 consecutive T bases (chr16:2,496,899-2,496,900); deleting either gives the same sequence. VCF-style (leftmost placement, unchanged base first): chr16-2496898-CT-C. GRCh37 (hg19) VCF-style: chr16-2546899-CT-C.
Other names: c.752del (NM_001199107.1); c.752delT (NM_001199107.1); c.752del, p.Phe251fs (NM_020705.3); short protein forms F251fs.
Identifiers: ClinVar variation 1456664 (VCV001456664.9), dbSNP rs766769998, ClinGen allele CA7844059.
Genomic context (GRCh38, chr16:2,496,898, plus strand): 5'-CGTCTTCCTGGTGGAGGGCTACAAGGTGCTGTACCGCGTGGCGCTGGCCATCCTCAAGTT[CT>C]TCCACAAGGTGAGGGCCGGGCAGCCGCTGGAGTCGGACAGCGTGAAGCAGGACATCCGCA-3'

ClinVar aggregate classification (germline): Pathogenic. Review status: criteria provided, multiple submitters, no conflicts (2 of 4 stars). 2 submissions from 2 submitters: Pathogenic (2). Last evaluated 2025-08-21.

Conditions:
Autosomal recessive nonsyndromic hearing loss 86 (DFNB86). Also called: Deafness , autosomal recessive 86; TBC1D24-Related Autosomal Recessive Nonsyndromic Hearing Loss (DFNB). Identifiers: Orphanet 90636, MedGen C2829265, MONDO:0013826, OMIM 614617.
Familial infantile myoclonic epilepsy (FIME). Also called: Epilepsy, Myoclonic, Infantile; TBC1D24-Related Familial Infantile Myoclonic Epilepsy (FIME). Identifiers: Orphanet 352582, MedGen C0917800, MONDO:0011506, OMIM 605021.
Autosomal dominant nonsyndromic hearing loss 65. Also called: Deafness, autosomal dominant 65; TBC1D24-Related Autosomal Dominant Nonsyndromic Hearing Loss (DFNA). Identifiers: Orphanet 90635, MedGen C3892048, MONDO:0014470, OMIM 616044.
Developmental and epileptic encephalopathy, 16 (DEE16). Also called: Early infantile epileptic encephalopathy 16; TBC1D24-Related Developmental and Epileptic Encephalopathy (DEE). Identifiers: Orphanet 293181, Orphanet 352596, MedGen C3809173, MONDO:0014133, OMIM 615338.
DOORS syndrome (DOORS). Also called: DRC SYNDROME; BRACHYDACTYLY DUE TO ABSENCE OF DISTAL PHALANGES; ERONEN SYNDROME; DOOR SYNDROME; Digitorenocerebral syndrome; DEAFNESS, ONYCHODYSTROPHY, OSTEODYSTROPHY, IMPAIRED INTELLECTUAL DEVELOPMENT, AND SEIZURES SYNDROME. Identifiers: Orphanet 3231, Orphanet 79500, MedGen C0795934, MONDO:0009079, OMIM 220500. Disease mechanism: loss of function.
Developmental and epileptic encephalopathy, 1 (DEE1). Also called: X-linked infantile spasms; West's syndrome; Tonic spasms with clustering, arrest of psychomotor development and hypsarrhythmia on EEG; X-Linked Infantile Spasm Syndrome; OHTAHARA SYNDROME, X-LINKED; INFANTILE SPASM SYNDROME, X-LINKED 1. Identifiers: MedGen C3463992, MONDO:0010632, OMIM 308350. Disease mechanism: loss of function.

Submissions (2):

Labcorp Genetics (formerly Invitae), Labcorp
Classification: Pathogenic for Developmental and epileptic encephalopathy, 1; Autosomal dominant nonsyndromic hearing loss 65. Last evaluated: 2025-08-21. Review status: criteria provided, single submitter. Criteria: Invitae Variant Classification Sherloc (09022015). Collection method: clinical testing. Allele origin: germline.
Comment: This sequence change creates a premature translational stop signal (p.Phe251Serfs*4) in the TBC1D24 gene. It is expected to result in an absent or disrupted protein product. Loss-of-function variants in TBC1D24 are known to be pathogenic (PMID: 23526554, 24291220). This variant is present in population databases (rs766769998, gnomAD 0.002%). This variant has not been reported in the literature in individuals affected with TBC1D24-related conditions. ClinVar contains an entry for this variant (Variation ID: 1456664). For these reasons, this variant has been classified as Pathogenic.

Victorian Clinical Genetics Services, Murdoch Childrens Research Institute
Classification: Pathogenic for Autosomal recessive nonsyndromic hearing loss 86. Last evaluated: 2020-06-11. Review status: criteria provided, single submitter. Criteria: ACMG Guidelines, 2015. Collection method: clinical testing. Allele origin: germline. Inheritance: Autosomal recessive inheritance.
Comment: Based on the classification scheme VCGS_Germline_v1.1.1, this variant is classified as pathogenic. Following criteria are met: 0102 - Loss-of-function is a known mechanism of disease for this gene (PMID: 27281533). (N) 0108 - This gene is known to be associated with both recessive and dominant disease. Only a single missense has been reported to cause autosomal dominant disease (OMIM). (N) 0201 - Variant is predicted to cause nonsense-mediated decay (NMD) and loss of protein (exon 2 of 8). (P) 0251 - Variant is heterozygous. (N) 0304 - Variant is present in gnomAD <0.01 for a recessive condition (3 heterozygotes, 0 homozygotes). (P) 0701 - Comparable variants also predicted to result in an NMD predicted variant, have very strong previous evidence for pathogenicity in patients with epileptic encephalopathy and familial myoclonic epilepsy, and less commonly recessive deafness (Decipher, PMID: 27281533. PMID: 26371875, OMIM). (P) 0807 - Variant has not previously been reported in a clinical context. (N) 0905 - No segregation evidence has been identified for this variant. (N) 1007 - No published functional evidence has been identified for this variant. (N) 1208 - Inheritance information for this variant is not currently available. (N) Legend: (P) - Pathogenic, (N) - Neutral, (B) - Benign

Literature cited by the submitters: PubMed 23526554 (cited by Labcorp Genetics (formerly Invitae), Labcorp); PubMed 24291220 (cited by Labcorp Genetics (formerly Invitae), Labcorp); PubMed 26371875 (cited by Victorian Clinical Genetics Services, Murdoch Childrens Research Institute); PubMed 27281533 (cited by Victorian Clinical Genetics Services, Murdoch Childrens Research Institute).